The following is an entry in ClinVar:

NM_003482.4(KMT2D):c.10150A>T (p.Thr3384Ser)

Gene: KMT2D (lysine methyltransferase 2D; minus strand). Cytogenetic location: 12q13.12.
Variant type: single nucleotide variant.
Coding change: c.10150A>T on transcript NM_003482.4 (MANE Select); coding-DNA position 10150, A replaced by T.
Protein change: p.Thr3384Ser; replaces threonine 3384 with serine.
Molecular consequence: missense variant.
Genome position (GRCh38, 1-based): chr12:49,037,206, T>A on the plus strand (A>T on the coding strand, the complement: KMT2D is on the minus strand). VCF-style: chr12-49037206-T-A. GRCh37 (hg19) VCF-style: chr12-49430989-T-A.
Other names: short protein forms T3384S.
Identifiers: ClinVar variation 2141095 (VCV002141095.8), dbSNP rs770511500, ClinGen allele CA6546602.
Genomic context (GRCh38, chr12:49,037,206, plus strand): 5'-TTGCCAGCTGCTGCTGCATTGCCAATTGCTGCGGCTTCATGCACATGGAAGGTGGCATGG[T>A]GCCCATGGGCTTCTGTGATAGCACTGGCTGTGAGCTCTGCTGGGGTACCAAGCCTGCCTG-3'
Protein context (NP_003473.3, residues 3374-3394): QPVLSQKPMG[Thr3384Ser]MPPSMCMKPQ

ClinVar aggregate classification (germline): Conflicting classifications of pathogenicity. Review status: criteria provided, conflicting classifications (1 of 4 stars). 3 submissions from 3 submitters: Uncertain significance (2); Benign (1). Last evaluated 2026-03-15.

Conditions:
Kabuki syndrome 1 (KABUK1). Also called: KMT2D-Related Kabuki Syndrome. Identifiers: Orphanet 2322, MedGen CN030661, MONDO:0007843, OMIM 147920.
Choanal atresia-athelia-hypothyroidism-delayed puberty-short stature syndrome (BCAHH). Also called: BRANCHIAL ARCH ABNORMALITIES, CHOANAL ATRESIA, ATHELIA, HEARING LOSS, AND HYPOTHYROIDISM SYNDROME. Identifiers: Orphanet 589856, MedGen C5680310, MONDO:0035651, OMIM 620186.
KMT2D-related disorder. Also called: KMT2D-Related Disorders.
Kabuki syndrome. Also called: NIIKAWA-KUROKI SYNDROME; Kabuki make-up syndrome. Identifiers: Orphanet 2322, MedGen C0796004, MONDO:0016512.

Allele frequency attached by ClinVar (database versions not stated): TOPMed 0.00001; ExAC 0.00004.
gnomAD v4.1: 53 of 1,610,672 alleles (0.0033%); highest among the groups gnomAD compares: South Asian, 0.054%; no homozygotes.

Submissions (3):

PreventionGenetics, part of Exact Sciences
Classification: Uncertain significance for KMT2D-related condition. Last evaluated: 2026-03-15. Review status: criteria provided, single submitter. Criteria: ACMG Guidelines, 2015. Collection method: clinical testing. Allele origin: germline.
Comment: The KMT2D c.10150A>T variant is predicted to result in the amino acid substitution p.Thr3384Ser. To our knowledge, this variant has not been reported in the literature. This variant is reported in 0.036% of alleles in individuals of South Asian descent in gnomAD. Although we suspect that this variant may be benign, at this time, the clinical significance of this variant is uncertain due to the absence of conclusive functional and genetic evidence.

Labcorp Genetics (formerly Invitae), Labcorp
Classification: Benign for Kabuki syndrome. Last evaluated: 2025-06-17. Review status: criteria provided, single submitter. Criteria: Invitae Variant Classification Sherloc (09022015). Collection method: clinical testing. Allele origin: germline.

Fulgent Genetics
Classification: Uncertain significance for Kabuki syndrome 1; Choanal atresia-athelia-hypothyroidism-delayed puberty-short stature syndrome. Last evaluated: 2024-03-13. Review status: criteria provided, single submitter. Criteria: ACMG Guidelines, 2015. Collection method: clinical testing. Allele origin: germline.